The following is an entry in ClinVar:

ClinVar aggregate classification (germline): Pathogenic (1 of 4 stars; one submission).

Conditions:
KBG syndrome (KBGS). Also called: ANKRD11-Related KBG Syndrome. Identifiers: Orphanet 2332, MedGen C0220687, MONDO:0007846, OMIM 148050.

Submission:

Medical Genetics Center, Maternal and Child Health Hospital of Hubei Province
Classification: Pathogenic for KBG syndrome. Last evaluated: 2026-08-18. Review status: criteria provided, single submitter. Criteria: ACMG Guidelines, 2015. Collection method: clinical testing. Allele origin: de novo. Affected: yes.
Comment: PVS1+PS2_Supporting+PM2_Supporting

NM_013275.6(ANKRD11):c.695_744+10del

Gene: ANKRD11 (ankyrin repeat domain 11; minus strand). Cytogenetic location: 16q24.3.
Variant type: Deletion.
Coding change: c.695_744+10del on transcript NM_013275.6 (MANE Select); coding-DNA position 695 through 10 bases into the intron after coding-DNA position 744, 60 bases deleted.
Molecular consequence: splice donor variant.
Genome position (GRCh38, 1-based): chr16:89,288,518-89,288,577, 60 bases deleted. GRCh37 (hg19): chr16:89,354,928-89,354,987.
Other names: c.695_744+10del (NM_001256183.2, NM_001256182.2).
Identifiers: ClinVar variation 4886889 (VCV004886889.1).